The following is an entry in ClinVar:

ClinVar aggregate classification (germline): Pathogenic (1 of 4 stars; one submission).

Conditions:
Autosomal recessive nonsyndromic hearing loss 24. Identifiers: Orphanet 90636, MedGen C1970239, MONDO:0012602, OMIM 611022.

Submission:

Genetics Laboratory, Department of Biology, Semnan University
Classification: Pathogenic for Autosomal recessive nonsyndromic hearing loss 24. Last evaluated: 2021-08-14. Review status: criteria provided, single submitter. Criteria: ACMG Guidelines, 2015. Collection method: case-control. Allele origin: inherited. Inheritance: Autosomal recessive inheritance. Affected: yes. Observed: 1 homozygote.
Comment: The WES analysis identified a frameshift mutation in the RDX gene on chromosome11 (NM_001260495.2); chr11:110233478delG c.305delC:p.A102fs. The mutation was predicted to be pathogenic based on ACMG guidelines. Our review of the public resources, local population database, and the literature revealed that there is no previous publication describing this mutation.

NM_002906.4(RDX):c.1346del (p.Ala449fs)

Gene: RDX (radixin; minus strand). Cytogenetic location: 11q22.3.
Variant type: Deletion.
Coding change: c.1346del on transcript NM_002906.4 (MANE Select); coding-DNA position 1346, one base deleted (C; older notation c.1346delC).
Protein change: p.Ala449fs; shifts the reading frame from alanine 449.
Molecular consequence: frameshift variant. On other transcripts: intron variant (1).
Genome position (GRCh38, 1-based): chr11:110,233,478, G deleted on the plus strand (C on the coding strand, the reverse complement: RDX is on the minus strand). VCF-style (leftmost placement, unchanged base first): chr11-110233477-AG-A. GRCh37 (hg19) VCF-style: chr11-110104202-AG-A.
Other names: p.(Ala449ValfsTer15); c.305delC (NM_001260495.2); c.1346del, p.Ala449fs (NM_001260492.2, NM_001260493.2); c.938del, p.Ala313fs (NM_001260494.2); c.305del, p.Ala102fs (NM_001260495.2); c.405-1474del (NM_001260496.2); short protein forms A102fs, A313fs, A449fs.
Identifiers: ClinVar variation 1698704 (VCV001698704.3), dbSNP rs2134302220, ClinGen allele CA2580083206.
Genomic context (GRCh38, chr11:110,233,477, plus strand): 5'-GGCAGACATCACAGTTTTTAACTCTTCTTTGGTCTTTTCCAAGTCTTCCTGGGCTGCAAA[AG>A]CCTGAACATTAAAAATACGTTTATGAGCAACTTACTTCAAAAATTAATAATCAAAACAAT-3'